The following is an entry in ClinVar:

ClinVar aggregate classification (germline): Pathogenic (1 of 4 stars; one submission).

Conditions:
Bifunctional peroxisomal enzyme deficiency (DBIF). Also called: DBP DEFICIENCY; PBFE DEFICIENCY; D-bifunctional protein deficiency. Identifiers: Orphanet 300, MedGen C0342870, MONDO:0009855, OMIM 261515. Disease mechanism: loss of function.
Perrault syndrome. Also called: Gonadal dysgenesis with auditory dysfunction, autosomal recessive inheritance. Identifiers: Orphanet 2855, MedGen C0685838, MONDO:0017312.

Submission:

Labcorp Genetics (formerly Invitae), Labcorp
Classification: Pathogenic for Perrault syndrome; Bifunctional peroxisomal enzyme deficiency. Last evaluated: 2019-08-17. Review status: criteria provided, single submitter. Criteria: Invitae Variant Classification Sherloc (09022015). Collection method: clinical testing. Allele origin: germline.
Comment: For these reasons, this variant has been classified as Pathogenic. Loss-of-function variants in HSD17B4 are known to be pathogenic (PMID: 11810648, 16385454). This variant has not been reported in the literature in individuals with HSD17B4-related conditions. This variant is not present in population databases (ExAC no frequency). This sequence change creates a premature translational stop signal (p.Ser475*) in the HSD17B4 gene. It is expected to result in an absent or disrupted protein product.

Literature cited by the submitters: PubMed 11810648; PubMed 16385454.

NM_000414.4(HSD17B4):c.1424C>G (p.Ser475Ter)

Gene: HSD17B4 (hydroxysteroid 17-beta dehydrogenase 4; plus strand). Cytogenetic location: 5q23.1.
Variant type: single nucleotide variant.
Coding change: c.1424C>G on transcript NM_000414.4 (MANE Select); coding-DNA position 1424, C replaced by G.
Protein change: p.Ser475Ter; replaces serine 475 with a stop codon.
Molecular consequence: nonsense. On other transcripts: non-coding transcript variant (2).
Genome position (GRCh38, 1-based): chr5:119,509,231, C>G. VCF-style: chr5-119509231-C-G. GRCh37 (hg19) VCF-style: chr5-118844926-C-G.
Other names: c.1499C>G, p.Ser500Ter (NM_001199291.3); c.1370C>G, p.Ser457Ter (NM_001199292.2); c.1352C>G, p.Ser451Ter (NM_001292027.2, NM_001374498.1); c.1004C>G, p.Ser335Ter (NM_001292028.2); c.1415C>G, p.Ser472Ter (NM_001374497.1); c.1097C>G, p.Ser366Ter (NM_001374499.1); c.983C>G, p.Ser328Ter (NM_001374500.1); c.1013C>G, p.Ser338Ter (NM_001374501.1, NM_001374502.1, NM_001374503.1); short protein forms S338*, S500*, S335*, S366*, S328*, S451*, S472*, S457*.
Identifiers: ClinVar variation 939009 (VCV000939009.7), dbSNP rs1751944228, ClinGen allele CA360868847.